The following is an entry in ClinVar:

NM_018133.4(MSL2):c.725T>C (p.Val242Ala)

Gene: MSL2 (MSL complex subunit 2; minus strand). Cytogenetic location: 3q22.3.
Variant type: single nucleotide variant.
Coding change: c.725T>C on transcript NM_018133.4 (MANE Select); coding-DNA position 725, T replaced by C.
Protein change: p.Val242Ala; replaces valine 242 with alanine.
Molecular consequence: missense variant.
Genome position (GRCh38, 1-based): chr3:136,152,156, A>G on the plus strand (T>C on the coding strand, the complement: MSL2 is on the minus strand). VCF-style: chr3-136152156-A-G. GRCh37 (hg19) VCF-style: chr3-135870998-A-G.
Other names: c.503T>C, p.Val168Ala (NM_001145417.2); short protein forms V168A, V242A.
Identifiers: ClinVar variation 4976171 (VCV004976171.1).

ClinVar aggregate classification (germline): Uncertain significance (1 of 4 stars; one submission).

Submission:

GeneDx
Classification: Uncertain significance. Last evaluated: 2026-02-03. Review status: criteria provided, single submitter. Criteria: GeneDx Variant Classification Process June 2021. Collection method: clinical testing. Allele origin: germline.
Comment: Not observed at significant frequency in large population cohorts (gnomAD); In silico analysis suggests that this missense variant does not alter protein structure/function; Has not been previously published as pathogenic or benign to our knowledge